The following is an entry in ClinVar:

ClinVar aggregate classification (germline): Uncertain significance (1 of 4 stars; one submission).

gnomAD v4.1: 4 of 1,614,232 alleles (0.00025%); highest among the groups gnomAD compares: Non-Finnish European, 0.00034%; no homozygotes.

Submission:

GeneDx
Classification: Uncertain significance. Last evaluated: 2025-05-21. Review status: criteria provided, single submitter. Criteria: GeneDx Variant Classification Process June 2021. Collection method: clinical testing. Allele origin: germline. Affected: yes.
Comment: Not observed at significant frequency in large population cohorts (gnomAD); In silico analysis supports that this missense variant has a deleterious effect on protein structure/function; Has not been previously published as pathogenic or benign to our knowledge

NM_004230.4(S1PR2):c.199G>A (p.Ala67Thr)

Gene: S1PR2 (sphingosine-1-phosphate receptor 2; minus strand). Cytogenetic location: 19p13.2.
Variant type: single nucleotide variant.
Coding change: c.199G>A on transcript NM_004230.4 (MANE Select); coding-DNA position 199, G replaced by A.
Protein change: p.Ala67Thr; replaces alanine 67 with threonine.
Molecular consequence: missense variant.
Genome position (GRCh38, 1-based): chr19:10,224,707, C>T on the plus strand (G>A on the coding strand, the complement: S1PR2 is on the minus strand). VCF-style: chr19-10224707-C-T. GRCh37 (hg19) VCF-style: chr19-10335383-C-T.
Other names: short protein forms A67T.
Identifiers: ClinVar variation 4530998 (VCV004530998.1).